The following is an entry in ClinVar:

NM_000540.3(RYR1):c.3236C>T (p.Ser1079Phe)

Gene: RYR1 (ryanodine receptor 1; plus strand). Cytogenetic location: 19q13.2.
Variant type: single nucleotide variant.
Coding change: c.3236C>T on transcript NM_000540.3 (MANE Select); coding-DNA position 3236, C replaced by T.
Protein change: p.Ser1079Phe; replaces serine 1079 with phenylalanine.
Molecular consequence: missense variant.
Genome position (GRCh38, 1-based): chr19:38,467,667, C>T. VCF-style: chr19-38467667-C-T. GRCh37 (hg19) VCF-style: chr19-38958307-C-T.
Other names: c.3236C>T, p.Ser1079Phe (NM_001042723.2); short protein forms S1079F.
Identifiers: ClinVar variation 4999162 (VCV004999162.1).

ClinVar aggregate classification (germline): Uncertain significance (1 of 4 stars; one submission).

Conditions:
RYR1-related disorder. Also called: RYR1-related disorders; RYR1-related condition. Identifiers: MedGen CN239331.

gnomAD v4.1: 1 of 1,614,248 alleles (0.000062%); highest among the groups gnomAD compares: South Asian, 0.0011%; no homozygotes.

Submission:

PreventionGenetics, part of Exact Sciences
Classification: Uncertain significance for RYR1-related condition. Last evaluated: 2025-03-17. Review status: criteria provided, single submitter. Criteria: ACMG Guidelines, 2015. Collection method: clinical testing. Allele origin: germline.
Comment: The RYR1 c.3236C>T variant is predicted to result in the amino acid substitution p.Ser1079Phe. To our knowledge, this variant has not been reported in the literature or in a large population database (gnomAD), indicating this variant is rare. At this time, the clinical significance of this variant is uncertain due to the absence of conclusive functional and genetic evidence.